The following is an entry in ClinVar:

NM_002180.3(IGHMBP2):c.2818G>A (p.Ala940Thr)

Gene: IGHMBP2 (immunoglobulin mu DNA binding protein 2; plus strand). Cytogenetic location: 11q13.3.
Variant type: single nucleotide variant.
Coding change: c.2818G>A on transcript NM_002180.3 (MANE Select); coding-DNA position 2818, G replaced by A.
Protein change: p.Ala940Thr; replaces alanine 940 with threonine.
Molecular consequence: missense variant.
Genome position (GRCh38, 1-based): chr11:68,939,567, G>A. VCF-style: chr11-68939567-G-A. GRCh37 (hg19) VCF-style: chr11-68707035-G-A.
Other names: short protein forms A940T.
Identifiers: ClinVar variation 286316 (VCV000286316.14), dbSNP rs757839224, ClinGen allele CA6154030.

ClinVar aggregate classification (germline): Uncertain significance. Review status: criteria provided, multiple submitters, no conflicts (2 of 4 stars). 3 submissions from 3 submitters: Uncertain significance (3). Last evaluated 2025-10-07.

Conditions:
Inborn genetic diseases. Identifiers: MedGen C0950123, MeSH D030342.
Autosomal recessive distal spinal muscular atrophy 1. Also called: NEURONOPATHY, SEVERE INFANTILE AXONAL, WITH RESPIRATORY FAILURE; SEVERE INFANTILE AXONAL NEUROPATHY WITH RESPIRATORY FAILURE; SPINAL MUSCULAR ATROPHY, DIAPHRAGMATIC; NEURONOPATHY, DISTAL HEREDITARY MOTOR, HARDING TYPE VI; NEUROPATHY, DISTAL HEREDITARY MOTOR, AUTOSOMAL RECESSIVE 1; HMN VI. Identifiers: Orphanet 98920, MedGen C1858517, MONDO:0011436, OMIM 604320.
Charcot-Marie-Tooth disease axonal type 2S. Also called: CHARCOT-MARIE-TOOTH DISEASE, AXONAL, AUTOSOMAL RECESSIVE, TYPE 2S; CHARCOT-MARIE-TOOTH NEUROPATHY, TYPE 2S. Identifiers: Orphanet 443073, MedGen C4015349, MONDO:0014511, OMIM 616155.

Allele frequency attached by ClinVar (database versions not stated): TOPMed 0.00002.
gnomAD v4.1: 36 of 1,612,568 alleles (0.0022%); highest among the groups gnomAD compares: Admixed American, 0.0083%; no homozygotes.

Submissions (3):

Ambry Genetics
Classification: Uncertain significance for Inborn genetic diseases. Last evaluated: 2025-10-07. Review status: criteria provided, single submitter. Criteria: Ambry Variant Classification Scheme 2023. Collection method: clinical testing. Allele origin: germline.

Labcorp Genetics (formerly Invitae), Labcorp
Classification: Uncertain significance for Autosomal recessive distal spinal muscular atrophy 1; Charcot-Marie-Tooth disease axonal type 2S. Last evaluated: 2021-09-01. Review status: criteria provided, single submitter. Criteria: Invitae Variant Classification Sherloc (09022015). Collection method: clinical testing. Allele origin: germline.
Comment: This sequence change replaces alanine with threonine at codon 940 of the IGHMBP2 protein (p.Ala940Thr). The alanine residue is moderately conserved and there is a small physicochemical difference between alanine and threonine. This variant is present in population databases (rs757839224, ExAC 0.02%). This variant has not been reported in the literature in individuals affected with IGHMBP2-related conditions. ClinVar contains an entry for this variant (Variation ID: 286316). Algorithms developed to predict the effect of missense changes on protein structure and function are either unavailable or do not agree on the potential impact of this missense change (SIFT: "Tolerated"; PolyPhen-2: "Possibly Damaging"; Align-GVGD: "Class C0"). In summary, the available evidence is currently insufficient to determine the role of this variant in disease. Therefore, it has been classified as a Variant of Uncertain Significance.

Eurofins Ntd Llc (ga)
Classification: Uncertain significance. Last evaluated: 2016-03-04. Review status: criteria provided, single submitter. Criteria: EGL Classification Definitions 2015. Collection method: clinical testing. Allele origin: germline. Observed: 1 variant allele, 1 heterozygote.